The following is an entry in ClinVar:

NM_032444.4(SLX4):c.1773del (p.Thr592fs)

Gene: SLX4 (SLX4 structure-specific endonuclease subunit; minus strand). Cytogenetic location: 16p13.3.
Variant type: Deletion.
Coding change: c.1773del on transcript NM_032444.4 (MANE Select); coding-DNA position 1773, one base deleted (C; older notation c.1773delC).
Protein change: p.Thr592fs; shifts the reading frame from threonine 592.
Molecular consequence: frameshift variant.
Genome position (GRCh38, 1-based): chr16:3,596,304, G deleted on the plus strand (C on the coding strand, the reverse complement: SLX4 is on the minus strand); the first of 5 consecutive G bases (chr16:3,596,304-3,596,308); deleting any one gives the same sequence. VCF-style (leftmost placement, unchanged base first): chr16-3596303-TG-T. GRCh37 (hg19) VCF-style: chr16-3646304-TG-T.
Other names: short protein forms T592fs.
Identifiers: ClinVar variation 5018772 (VCV005018772.1).

ClinVar aggregate classification (germline): Likely pathogenic (1 of 4 stars; one submission).

Conditions:
Fanconi anemia complementation group P. Also called: SLX4-Related Fanconi Anemia. Identifiers: Orphanet 84, MedGen C3469542, MONDO:0013499, OMIM 613951.

Submission:

Juno Genomics, Hangzhou Juno Genomics, Inc
Classification: Likely pathogenic for Fanconi anemia complementation group P. Review status: criteria provided, single submitter. Criteria: ACMG Guidelines, 2015. Collection method: clinical testing. Allele origin: germline. Affected: yes.
Comment: Absent from controls (or at extremely low frequency if recessive) in Genome Aggregation Database.;Null variant in a gene where loss of function (LOF) is a known mechanism of disease.